The following is an entry in ClinVar:

NM_000127.3(EXT1):c.1037G>A (p.Arg346Lys)

Gene: EXT1 (exostosin glycosyltransferase 1; minus strand). Cytogenetic location: 8q24.11.
Variant type: single nucleotide variant.
Coding change: c.1037G>A on transcript NM_000127.3 (MANE Select); coding-DNA position 1037, G replaced by A.
Protein change: p.Arg346Lys; replaces arginine 346 with lysine.
Molecular consequence: missense variant.
Genome position (GRCh38, 1-based): chr8:117,837,127, C>T on the plus strand (G>A on the coding strand, the complement: EXT1 is on the minus strand). VCF-style: chr8-117837127-C-T. GRCh37 (hg19) VCF-style: chr8-118849366-C-T.
Other names: short protein forms R346K.
Identifiers: ClinVar variation 3659932 (VCV003659932.3).
Genomic context (GRCh38, chr8:117,837,127, plus strand): 5'-GGTCCTCAGCCCTATTCTGGGAAGGCTCCAGGGCCTCTTACCTGCAAAGCCTCCAGGAAT[C>T]TGAAGGACCCAAGCCTGCGACCACGAGGAACCAGACAGAAAGTGGCATTGTGCAGCATTT-3'
Protein context (NP_000118.2, residues 336-356): VPRGRRLGSF[Arg346Lys]FLEALQAACV

ClinVar aggregate classification (germline): Likely pathogenic. Review status: criteria provided, multiple submitters, no conflicts (2 of 4 stars). 2 submissions from 2 submitters: Likely pathogenic (2). Last evaluated 2025-06-23.

Conditions:
Multiple congenital exostosis (EXT). Also called: Hereditary multiple osteochondromas; MULTIPLE CARTILAGINOUS EXOSTOSES; Hereditary multiple exostoses; Hereditary multiple exostosis; Multiple osteochondromas; Multiple exostoses. Identifiers: Orphanet 321, MedGen C0015306, MONDO:0005508, HP:0002762.
Exostoses, multiple, type 1 (EXT1). Also called: Hereditary Multiple Osteochondromatosis, Type I; EXOSTOSES, MULTIPLE, TYPE I. Identifiers: MedGen CN263289, MONDO:0007585, OMIM 133700.

Submissions (2):

Greenwood Genetic Center Diagnostic Laboratories, Greenwood Genetic Center
Classification: Likely pathogenic for Exostoses, multiple, type 1. Last evaluated: 2025-06-23. Review status: criteria provided, single submitter. Criteria: ACMG Guidelines, 2015. Collection method: clinical testing. Allele origin: germline. Affected: yes.
Comment: PS4_Supporting, PM1, PM2, PM5_Supporting, PP3

Labcorp Genetics (formerly Invitae), Labcorp
Classification: Likely pathogenic for Multiple congenital exostosis. Last evaluated: 2024-10-02. Review status: criteria provided, single submitter. Criteria: Invitae Variant Classification Sherloc (09022015). Collection method: clinical testing. Allele origin: germline.
Comment: This sequence change replaces arginine, which is basic and polar, with lysine, which is basic and polar, at codon 346 of the EXT1 protein (p.Arg346Lys). This variant is not present in population databases (gnomAD no frequency). This missense change has been observed in individual(s) with hereditary multiple osteochondromatosis (internal data). Invitae Evidence Modeling of protein sequence and biophysical properties (such as structural, functional, and spatial information, amino acid conservation, physicochemical variation, residue mobility, and thermodynamic stability) indicates that this missense variant is expected to disrupt EXT1 protein function with a positive predictive value of 80%. This variant disrupts the p.Arg346 amino acid residue in EXT1. Other variant(s) that disrupt this residue have been determined to be pathogenic (PMID: 17301954, 19810120, 24532482). This suggests that this residue is clinically significant, and that variants that disrupt this residue are likely to be disease-causing. In summary, the currently available evidence indicates that the variant is pathogenic, but additional data are needed to prove that conclusively. Therefore, this variant has been classified as Likely Pathogenic.

Literature cited by the submitters: PubMed 17301954 (cited by Labcorp Genetics (formerly Invitae), Labcorp); PubMed 19810120 (cited by Labcorp Genetics (formerly Invitae), Labcorp); PubMed 24532482 (cited by Labcorp Genetics (formerly Invitae), Labcorp).